The following is an entry in ClinVar:

ClinVar aggregate classification (germline): Uncertain significance (0 of 4 stars; one submission).

Conditions:
TUB-related disorder. Also called: TUB-related condition.

Allele frequency attached by ClinVar (database versions not stated): gnomAD exomes 0.00001; TOPMed 0.00001; gnomAD 0.00003; ExAC 0.00004; 1000 Genomes Project 0.00020; 1000 Genomes Project 30x 0.00031.
gnomAD v4.1: 20 of 1,613,504 alleles (0.0012%); highest among the groups gnomAD compares: South Asian, 0.011%; no homozygotes.

Submission:

PreventionGenetics, part of Exact Sciences
Classification: Uncertain significance for TUB-related condition. Last evaluated: 2024-05-13. Review status: no assertion criteria provided. Collection method: clinical testing. Allele origin: germline.
Comment: The TUB c.341G>A variant is predicted to result in the amino acid substitution p.Arg114Gln. To our knowledge, this variant has not been reported in the literature. This variant is reported in 0.020% of alleles in individuals of South Asian descent in gnomAD. At this time, the clinical significance of this variant is uncertain due to the absence of conclusive functional and genetic evidence.

NM_177972.3(TUB):c.176G>A (p.Arg59Gln)

Gene: TUB (TUB bipartite transcription factor; plus strand). Cytogenetic location: 11p15.4.
Variant type: single nucleotide variant.
Coding change: c.176G>A on transcript NM_177972.3 (MANE Select); coding-DNA position 176, G replaced by A.
Protein change: p.Arg59Gln; replaces arginine 59 with glutamine.
Molecular consequence: missense variant.
Genome position (GRCh38, 1-based): chr11:8,090,154, G>A. VCF-style: chr11-8090154-G-A. GRCh37 (hg19) VCF-style: chr11-8111701-G-A.
Other names: c.341G>A, p.Arg114Gln (NM_003320.5); short protein forms R114Q, R59Q.
Identifiers: ClinVar variation 2634136 (VCV002634136.2), dbSNP rs544601452, ClinGen allele CA5870984.
Genomic context (GRCh38, chr11:8,090,154, plus strand): 5'-AGAAGAAGCGCCAGGAGCCCCTGATGGTGCAGGCCAATGCAGATGGGCGGCCCCGGAGCC[G>A]GCGGGCCCGGCAGTCAGAGGAACAAGCCCCCCTGGTGGAGTCCTACCTCAGCAGCAGTGG-3'
Protein context (NP_813977.1, residues 49-69): QANADGRPRS[Arg59Gln]RARQSEEQAP